The following is an entry in ClinVar:

NM_001673.5(ASNS):c.868A>G (p.Met290Val)

Genes: ASNS (asparagine synthetase (glutamine-hydrolyzing); minus strand), CZ1P-ASNS (CZ1P-ASNS readthrough; minus strand). Cytogenetic location: 7q21.3.
Variant type: single nucleotide variant.
Coding change: c.868A>G on transcript NM_001673.5 (MANE Select); coding-DNA position 868, A replaced by G.
Protein change: p.Met290Val; replaces methionine 290 with valine.
Molecular consequence: missense variant. On other transcripts: non-coding transcript variant (1).
Genome position (GRCh38, 1-based): chr7:97,858,313, T>C on the plus strand (A>G on the coding strand, the complement: ASNS is on the minus strand). VCF-style: chr7-97858313-T-C. GRCh37 (hg19) VCF-style: chr7-97487625-T-C.
Other names: c.805A>G, p.Met269Val (NM_001178075.2); c.619A>G, p.Met207Val (NM_001178076.2, NM_001178077.1); c.868A>G, p.Met290Val (NM_001352496.2, NM_133436.3, NM_183356.4); short protein forms M207V, M269V, M290V.
Identifiers: ClinVar variation 1223825 (VCV001223825.11), dbSNP rs146656175, ClinGen allele CA4354662.

ClinVar aggregate classification (germline): Conflicting classifications of pathogenicity. Review status: criteria provided, conflicting classifications (1 of 4 stars). 6 submissions from 6 submitters: Uncertain significance (4); Likely benign (1). 1 of the submissions does not count toward it. Last evaluated 2025-07-16.

Conditions:
Inborn genetic diseases. Identifiers: MedGen C0950123, MeSH D030342.
Congenital microcephaly - severe encephalopathy - progressive cerebral atrophy syndrome. Also called: Asparagine synthetase deficiency; ASNS DEFICIENCY. Identifiers: Orphanet 391376, MedGen C3809971, MONDO:0014258, OMIM 615574.

Allele frequency attached by ClinVar (database versions not stated): ESP Exome Variant Server 0.00008; ExAC 0.00010; gnomAD exomes 0.00010 and 0.00027; gnomAD 0.00015; TOPMed 0.00016.
gnomAD v4.1: 410 of 1,613,664 alleles (0.025%); highest among the groups gnomAD compares: Non-Finnish European, 0.033%; 1 homozygote.

Submissions (6):

Ambry Genetics
Classification: Likely benign for Inborn genetic diseases. Last evaluated: 2025-07-16. Review status: criteria provided, single submitter. Criteria: Ambry Variant Classification Scheme 2023. Collection method: clinical testing. Allele origin: germline.

Blueprint Genetics
Classification: Uncertain significance. Last evaluated: 2023-01-19. Review status: criteria provided, single submitter. Criteria: ACMG Guidelines, 2015. Collection method: clinical testing. Allele origin: germline.

Labcorp Genetics (formerly Invitae), Labcorp
Classification: Uncertain significance. Last evaluated: 2022-08-12. Review status: criteria provided, single submitter. Criteria: Invitae Variant Classification Sherloc (09022015). Collection method: clinical testing. Allele origin: germline.
Comment: This sequence change replaces methionine, which is neutral and non-polar, with valine, which is neutral and non-polar, at codon 290 of the ASNS protein (p.Met290Val). This variant is present in population databases (rs146656175, gnomAD 0.02%). This variant has not been reported in the literature in individuals affected with ASNS-related conditions. ClinVar contains an entry for this variant (Variation ID: 1223825). Advanced modeling of protein sequence and biophysical properties (such as structural, functional, and spatial information, amino acid conservation, physicochemical variation, residue mobility, and thermodynamic stability) performed at Invitae indicates that this missense variant is expected to disrupt ASNS protein function. In summary, the available evidence is currently insufficient to determine the role of this variant in disease. Therefore, it has been classified as a Variant of Uncertain Significance.

Fulgent Genetics
Classification: Uncertain significance for Congenital microcephaly - severe encephalopathy - progressive cerebral atrophy syndrome. Last evaluated: 2021-07-02. Review status: criteria provided, single submitter. Criteria: ACMG Guidelines, 2015. Collection method: clinical testing. Allele origin: unknown.

GeneDx
Classification: Uncertain significance. Last evaluated: 2021-01-05. Review status: criteria provided, single submitter. Criteria: GeneDx Variant Classification Process June 2021. Collection method: clinical testing. Allele origin: germline. Affected: yes.
Comment: In silico analysis supports that this missense variant has a deleterious effect on protein structure/function; Has not been previously published as pathogenic or benign to our knowledge

Natera, Inc.
Classification: Uncertain significance for Asparagine synthetase deficiency. Last evaluated: 2020-03-17. Review status: no assertion criteria provided. Collection method: clinical testing. Allele origin: germline. Not counted in ClinVar's aggregate classification.